The following is an entry in ClinVar:

NM_000179.3(MSH6):c.1474A>T (p.Met492Leu)

Gene: MSH6 (mutS homolog 6; plus strand). Cytogenetic location: 2p16.3.
Variant type: single nucleotide variant.
Coding change: c.1474A>T on transcript NM_000179.3 (MANE Select); coding-DNA position 1474, A replaced by T.
Protein change: p.Met492Leu; replaces methionine 492 with leucine.
Molecular consequence: missense variant.
Genome position (GRCh38, 1-based): chr2:47,799,457, A>T. VCF-style: chr2-47799457-A-T. GRCh37 (hg19) VCF-style: chr2-48026596-A-T.
Other names: c.1084A>T, p.Met362Leu (NM_001281492.2); c.568A>T, p.Met190Leu (NM_001281493.2, NM_001281494.2); short protein forms M190L, M362L, M492L.
Identifiers: ClinVar variation 1026910 (VCV001026910.9), dbSNP rs61754783, ClinGen allele CA346745948.

ClinVar aggregate classification (germline): Uncertain significance (1 of 4 stars; one submission).

Conditions:
Hereditary nonpolyposis colorectal neoplasms. Identifiers: MedGen C0009405, MeSH D003123.

gnomAD v4.1: 2 of 1,614,164 alleles (0.00012%); highest among the groups gnomAD compares: Non-Finnish European, 0.00017%; no homozygotes.

Submission:

Labcorp Genetics (formerly Invitae), Labcorp
Classification: Uncertain significance for Hereditary nonpolyposis colorectal neoplasms. Last evaluated: 2023-12-05. Review status: criteria provided, single submitter. Criteria: Invitae Variant Classification Sherloc (09022015). Collection method: clinical testing. Allele origin: germline.
Comment: This sequence change replaces methionine, which is neutral and non-polar, with leucine, which is neutral and non-polar, at codon 492 of the MSH6 protein (p.Met492Leu). This variant is not present in population databases (gnomAD no frequency). This variant has not been reported in the literature in individuals affected with MSH6-related conditions. ClinVar contains an entry for this variant (Variation ID: 1026910). Advanced modeling of protein sequence and biophysical properties (such as structural, functional, and spatial information, amino acid conservation, physicochemical variation, residue mobility, and thermodynamic stability) performed at Invitae indicates that this missense variant is not expected to disrupt MSH6 protein function with a negative predictive value of 95%. In summary, the available evidence is currently insufficient to determine the role of this variant in disease. Therefore, it has been classified as a Variant of Uncertain Significance.